The following is an entry in ClinVar:

ClinVar aggregate classification (germline): Uncertain significance (1 of 4 stars; one submission).

Conditions:
Multiple endocrine neoplasia, type 2 (MEN2). Identifiers: Orphanet 653, MedGen C4048306, MONDO:0019003. Disease mechanism: gain of function.

Submission:

Labcorp Genetics (formerly Invitae), Labcorp
Classification: Uncertain significance for Multiple endocrine neoplasia, type 2. Last evaluated: 2025-08-18. Review status: criteria provided, single submitter. Criteria: Invitae Variant Classification Sherloc (09022015). Collection method: clinical testing. Allele origin: germline.
Comment: This sequence change replaces isoleucine, which is neutral and non-polar, with methionine, which is neutral and non-polar, at codon 422 of the RET protein (p.Ile422Met). This variant is not present in population databases (gnomAD no frequency). This variant has not been reported in the literature in individuals affected with RET-related conditions. An algorithm developed to predict the effect of missense changes on protein structure and function (PolyPhen-2) suggests that this variant is likely to be disruptive. In summary, the available evidence is currently insufficient to determine the role of this variant in disease. Therefore, it has been classified as a Variant of Uncertain Significance.

NM_020975.6(RET):c.1266C>G (p.Ile422Met)

Gene: RET (ret proto-oncogene; plus strand). Cytogenetic location: 10q11.21.
Variant type: single nucleotide variant.
Coding change: c.1266C>G on transcript NM_020975.6 (MANE Select); coding-DNA position 1266, C replaced by G.
Protein change: p.Ile422Met; replaces isoleucine 422 with methionine.
Molecular consequence: missense variant. On other transcripts: intron variant (15).
Genome position (GRCh38, 1-based): chr10:43,111,209, C>G. VCF-style: chr10-43111209-C-G. GRCh37 (hg19) VCF-style: chr10-43606657-C-G.
Other names: c.504C>G, p.Ile168Met (NM_001355216.2); c.1266C>G, p.Ile422Met (NM_001406743.1, NM_001406744.1, NM_001406759.1 and 4 more transcripts); c.1137C>G, p.Ile379Met (NM_001406761.1, NM_001406762.1, NM_001406764.1 and 1 more transcripts); c.978C>G, p.Ile326Met (NM_001406766.1, NM_001406767.1, NM_001406770.1); c.870C>G, p.Ile290Met (NM_001406769.1, NM_001406772.1); c.828C>G, p.Ile276Met (NM_001406771.1, NM_001406773.1); c.741C>G, p.Ile247Met (NM_001406774.1); c.540C>G, p.Ile180Met (NM_001406775.1, NM_001406776.1, NM_001406777.1 and 1 more transcripts); and 5 more; short protein forms I180M, I276M, I422M, I168M, I247M, I379M, I326M, I290M.
Identifiers: ClinVar variation 4732369 (VCV004732369.1).